The following is an entry in ClinVar:

ClinVar aggregate classification (germline): Uncertain significance. Review status: criteria provided, multiple submitters, no conflicts (2 of 4 stars). 2 submissions from 2 submitters: Uncertain significance (2). Last evaluated 2022-12-06.

Conditions:
Inborn genetic diseases. Identifiers: MedGen C0950123, MeSH D030342.

Allele frequency attached by ClinVar (database versions not stated): gnomAD 0.00001; TOPMed 0.00001; gnomAD exomes 0.00002; ExAC 0.00004.
gnomAD v4.1: 36 of 1,613,764 alleles (0.0022%); highest among the groups gnomAD compares: Non-Finnish European, 0.0025%; no homozygotes.

Submissions (2):

Labcorp Genetics (formerly Invitae), Labcorp
Classification: Uncertain significance. Last evaluated: 2022-12-06. Review status: criteria provided, single submitter. Criteria: Invitae Variant Classification Sherloc (09022015). Collection method: clinical testing. Allele origin: germline.
Comment: In summary, the available evidence is currently insufficient to determine the role of this variant in disease. Therefore, it has been classified as a Variant of Uncertain Significance. Advanced modeling of protein sequence and biophysical properties (such as structural, functional, and spatial information, amino acid conservation, physicochemical variation, residue mobility, and thermodynamic stability) performed at Invitae indicates that this missense variant is not expected to disrupt C1S protein function. This sequence change replaces glycine, which is neutral and non-polar, with arginine, which is basic and polar, at codon 232 of the C1S protein (p.Gly232Arg). ClinVar contains an entry for this variant (Variation ID: 1355259). This variant has not been reported in the literature in individuals affected with C1S-related conditions. This variant is present in population databases (rs782586449, gnomAD 0.004%).

Ambry Genetics
Classification: Uncertain significance for Inborn genetic diseases. Last evaluated: 2022-04-29. Review status: criteria provided, single submitter. Criteria: Ambry Variant Classification Scheme 2023. Collection method: clinical testing. Allele origin: germline.

NM_001734.5(C1S):c.694G>C (p.Gly232Arg)

Gene: C1S (complement C1s; plus strand). Cytogenetic location: 12p13.31.
Variant type: single nucleotide variant.
Coding change: c.694G>C on transcript NM_001734.5 (MANE Select); coding-DNA position 694, G replaced by C.
Protein change: p.Gly232Arg; replaces glycine 232 with arginine.
Molecular consequence: missense variant.
Genome position (GRCh38, 1-based): chr12:7,065,276, G>C. VCF-style: chr12-7065276-G-C. GRCh37 (hg19) VCF-style: chr12-7172580-G-C.
Other names: c.694G>C (NM_201442.2); c.193G>C, p.Gly65Arg (NM_001346850.2); c.694G>C, p.Gly232Arg (NM_201442.4); short protein forms G232R, G65R.
Identifiers: ClinVar variation 1355259 (VCV001355259.9), dbSNP rs782586449, ClinGen allele CA6423522.